The following is an entry in ClinVar:

ClinVar aggregate classification (germline): Uncertain significance (1 of 4 stars; one submission).

Allele frequency attached by ClinVar (database versions not stated): gnomAD 0.00001; ExAC 0.00002; gnomAD exomes 0.00003; TOPMed 0.00003.
gnomAD v4.1: 18 of 1,606,474 alleles (0.0011%); highest among the groups gnomAD compares: East Asian, 0.038%; no homozygotes.

Submission:

Labcorp Genetics (formerly Invitae), Labcorp
Classification: Uncertain significance. Last evaluated: 2022-02-04. Review status: criteria provided, single submitter. Criteria: Invitae Variant Classification Sherloc (09022015). Collection method: clinical testing. Allele origin: germline.
Comment: This sequence change replaces serine, which is neutral and polar, with alanine, which is neutral and non-polar, at codon 874 of the VPS13C protein (p.Ser874Ala). In summary, the available evidence is currently insufficient to determine the role of this variant in disease. Therefore, it has been classified as a Variant of Uncertain Significance. Algorithms developed to predict the effect of missense changes on protein structure and function are either unavailable or do not agree on the potential impact of this missense change (SIFT: "Tolerated"; PolyPhen-2: "Probably Damaging"; Align-GVGD: "Class C0"). This variant has not been reported in the literature in individuals affected with VPS13C-related conditions. This variant is present in population databases (rs756765960, gnomAD 0.03%).

NM_020821.3(VPS13C):c.2620T>G (p.Ser874Ala)

Gene: VPS13C (vacuolar protein sorting 13 homolog C; minus strand). Cytogenetic location: 15q22.2.
Variant type: single nucleotide variant.
Coding change: c.2620T>G on transcript NM_020821.3 (MANE Select); coding-DNA position 2620, T replaced by G.
Protein change: p.Ser874Ala; replaces serine 874 with alanine.
Molecular consequence: missense variant.
Genome position (GRCh38, 1-based): chr15:61,972,762, A>C on the plus strand (T>G on the coding strand, the complement: VPS13C is on the minus strand). VCF-style: chr15-61972762-A-C. GRCh37 (hg19) VCF-style: chr15-62264961-A-C.
Other names: c.2620T>G, p.Ser874Ala (NM_001018088.3); c.2491T>G, p.Ser831Ala (NM_017684.5, NM_018080.4); short protein forms S831A, S874A.
Identifiers: ClinVar variation 1965501 (VCV001965501.5), dbSNP rs756765960, ClinGen allele CA7596645.
Genomic context (GRCh38, chr15:61,972,762, plus strand): 5'-CTTTCATACTTTTACAAGTCTGTGGTTCTCCATCTTCAGCATCAAAATACTCATCATCAG[A>C]CTCTAAAGGAAAAAGACATTTATTTGATCTGAGACAATGTACATTGAAAACTGCATGAAA-3'
Protein context (NP_065872.1, residues 864-884): SLLLDTVESE[Ser874Ala]DDEYFDAEDG